The following is an entry in ClinVar:

NM_022369.4(STRA6):c.1167-10C>G

Gene: STRA6 (signaling receptor and transporter of retinol STRA6; minus strand). Cytogenetic location: 15q24.1.
Variant type: single nucleotide variant.
Coding change: c.1167-10C>G on transcript NM_022369.4 (MANE Select); 10 bases into the intron before coding-DNA position 1167, C replaced by G.
Molecular consequence: intron variant.
Genome position (GRCh38, 1-based): chr15:74,183,999, G>C on the plus strand (C>G on the coding strand, the complement: STRA6 is on the minus strand). VCF-style: chr15-74183999-G-C. GRCh37 (hg19) VCF-style: chr15-74476340-G-C.
Other names: c.1278-10C>G (NM_001199040.2); c.1140-10C>G (NM_001142619.2); c.1167-10C>G (NM_001142617.2, NM_001142618.2); c.1212-10C>G (NM_001199041.2); c.1284-10C>G (NM_001199042.2).
Identifiers: ClinVar variation 261577 (VCV000261577.20), dbSNP rs2277608, ClinGen allele CA7654658.

ClinVar aggregate classification (germline): Benign/Likely benign. Review status: criteria provided, multiple submitters, no conflicts (2 of 4 stars). 6 submissions from 6 submitters: Benign (5); Likely benign (1). Last evaluated 2026-01-29.

Conditions:
Microphthalmia, syndromic 9. Also called: ANOPHTHALMIA, CLINICAL, WITH MILD FACIAL DYSMORPHISM AND VARIABLE MALFORMATIONS OF THE LUNG, HEART, AND DIAPHRAGM; ANOPHTHALMIA/MICROPHTHALMIA AND PULMONARY HYPOPLASIA; PULMONARY AGENESIS, MICROPHTHALMIA, AND DIAPHRAGMATIC DEFECT; SPEAR SYNDROME; Matthew-Wood syndrome. Identifiers: Orphanet 2470, MedGen C1832661, MONDO:0011010, OMIM 601186.

Allele frequency attached by ClinVar (database versions not stated): ESP Exome Variant Server 0.12648; TOPMed 0.15043; ExAC 0.19529; gnomAD exomes 0.19949; 1000 Genomes Project 30x 0.20565; 1000 Genomes Project 0.20807.
gnomAD v4.1: 260,212 of 1,612,048 alleles (16%); highest among the groups gnomAD compares: East Asian, 36%; 23,597 homozygotes.

Submissions (24):

Labcorp Genetics (formerly Invitae), Labcorp
Classification: Benign for Microphthalmia, syndromic 9. Last evaluated: 2026-01-29. Review status: criteria provided, single submitter. Criteria: Invitae Variant Classification Sherloc (09022015). Collection method: clinical testing. Allele origin: germline.

Blueprint Genetics
Classification: Likely benign. Last evaluated: 2024-11-27. Review status: criteria provided, single submitter. Criteria: ACMG Guidelines, 2015. Collection method: clinical testing. Allele origin: germline.

Illumina Laboratory Services, Illumina
Classification: Benign for Microphthalmia, syndromic 9. Last evaluated: 2018-01-12. Review status: criteria provided, single submitter. Criteria: ICSL Variant Classification Criteria 13 December 2019. Collection method: clinical testing. Allele origin: germline.
Comment: This variant was observed in the ICSL laboratory as part of a predisposition screen in an ostensibly healthy population. It had not been previously curated by ICSL or reported in the Human Gene Mutation Database (HGMD: prior to June 1st, 2018), and was therefore a candidate for classification through an automated scoring system. Utilizing variant allele frequency, disease prevalence and penetrance estimates, and inheritance mode, an automated score was calculated to assess if this variant is too frequent to cause the disease. Based on the score and internal cut-off values, a variant classified as benign is not then subjected to further curation. The score for this variant resulted in a classification of benign for this disease.

GeneDx
Classification: Benign. Last evaluated: 2015-03-03. Review status: criteria provided, single submitter. Criteria: GeneDx Variant Classification Process June 2021. Collection method: clinical testing. Allele origin: germline. Affected: yes.

Breakthrough Genomics
Classification: Benign. Review status: criteria provided, single submitter. Criteria: ACMG Guidelines, 2015. Collection method: not provided. Allele origin: germline. Inheritance: Autosomal recessive inheritance. Affected: yes.

PreventionGenetics, part of Exact Sciences
Classification: Benign. Review status: criteria provided, single submitter. Criteria: ACMG Guidelines, 2015. Collection method: clinical testing. Allele origin: germline.

Dr. Peter K. Rogan Lab, Western University
No classification provided (evidence only). Condition: Malignant lymphoma, large B-cell, diffuse. Review status: no classification provided. Collection method: in vitro. Allele origin: not applicable. Functional consequence: retained intron. Not counted in ClinVar's aggregate classification.

Dr. Peter K. Rogan Lab, Western University
No classification provided (evidence only). Condition: Malignant lymphoma, large B-cell, diffuse. Review status: no classification provided. Collection method: in vitro. Allele origin: not applicable. Functional consequence: retained intron. Not counted in ClinVar's aggregate classification.

Dr. Peter K. Rogan Lab, Western University
No classification provided (evidence only). Condition: Malignant lymphoma, large B-cell, diffuse. Review status: no classification provided. Collection method: in vitro. Allele origin: not applicable. Functional consequence: retained intron. Not counted in ClinVar's aggregate classification.

Dr. Peter K. Rogan Lab, Western University
No classification provided (evidence only). Condition: Malignant lymphoma, large B-cell, diffuse. Review status: no classification provided. Collection method: in vitro. Allele origin: not applicable. Functional consequence: retained intron. Not counted in ClinVar's aggregate classification.

Dr. Peter K. Rogan Lab, Western University
No classification provided (evidence only). Condition: Malignant lymphoma, large B-cell, diffuse. Review status: no classification provided. Collection method: in vitro. Allele origin: not applicable. Functional consequence: retained intron. Not counted in ClinVar's aggregate classification.

Dr. Peter K. Rogan Lab, Western University
No classification provided (evidence only). Condition: Uterine carcinosarcoma. Review status: no classification provided. Collection method: in vitro. Allele origin: not applicable. Functional consequence: retained intron. Not counted in ClinVar's aggregate classification.

Dr. Peter K. Rogan Lab, Western University
No classification provided (evidence only). Condition: Uterine carcinosarcoma. Review status: no classification provided. Collection method: in vitro. Allele origin: not applicable. Functional consequence: retained intron. Not counted in ClinVar's aggregate classification.

Dr. Peter K. Rogan Lab, Western University
No classification provided (evidence only). Condition: Uterine carcinosarcoma. Review status: no classification provided. Collection method: in vitro. Allele origin: not applicable. Functional consequence: retained intron. Not counted in ClinVar's aggregate classification.

Dr. Peter K. Rogan Lab, Western University
No classification provided (evidence only). Condition: Uterine carcinosarcoma. Review status: no classification provided. Collection method: in vitro. Allele origin: not applicable. Functional consequence: retained intron. Not counted in ClinVar's aggregate classification.

Dr. Peter K. Rogan Lab, Western University
No classification provided (evidence only). Condition: Uterine carcinosarcoma. Review status: no classification provided. Collection method: in vitro. Allele origin: not applicable. Functional consequence: retained intron. Not counted in ClinVar's aggregate classification.

Dr. Peter K. Rogan Lab, Western University
No classification provided (evidence only). Condition: Uterine carcinosarcoma. Review status: no classification provided. Collection method: in vitro. Allele origin: not applicable. Functional consequence: retained intron. Not counted in ClinVar's aggregate classification.

Dr. Peter K. Rogan Lab, Western University
No classification provided (evidence only). Condition: Uterine carcinosarcoma. Review status: no classification provided. Collection method: in vitro. Allele origin: not applicable. Functional consequence: retained intron. Not counted in ClinVar's aggregate classification.

Dr. Peter K. Rogan Lab, Western University
No classification provided (evidence only). Condition: Uterine carcinosarcoma. Review status: no classification provided. Collection method: in vitro. Allele origin: not applicable. Functional consequence: retained intron. Not counted in ClinVar's aggregate classification.

Dr. Peter K. Rogan Lab, Western University
No classification provided (evidence only). Condition: Uterine carcinosarcoma. Review status: no classification provided. Collection method: in vitro. Allele origin: not applicable. Functional consequence: retained intron. Not counted in ClinVar's aggregate classification.

Dr. Peter K. Rogan Lab, Western University
No classification provided (evidence only). Condition: Uterine carcinosarcoma. Review status: no classification provided. Collection method: in vitro. Allele origin: not applicable. Functional consequence: skipped exon, retained intron. Not counted in ClinVar's aggregate classification.

Dr. Peter K. Rogan Lab, Western University
No classification provided (evidence only). Condition: Uterine carcinosarcoma. Review status: no classification provided. Collection method: in vitro. Allele origin: not applicable. Functional consequence: skipped exon, retained intron. Not counted in ClinVar's aggregate classification.

Dr. Peter K. Rogan Lab, Western University
No classification provided (evidence only). Condition: Uterine carcinosarcoma. Review status: no classification provided. Collection method: in vitro. Allele origin: not applicable. Functional consequence: skipped exon, retained intron. Not counted in ClinVar's aggregate classification.

Dr. Peter K. Rogan Lab, Western University
No classification provided (evidence only). Condition: Uveal melanoma. Review status: no classification provided. Collection method: in vitro. Allele origin: not applicable. Functional consequence: retained intron. Not counted in ClinVar's aggregate classification.